The following is an entry in ClinVar:

NM_004963.4(GUCY2C):c.2876-17T>A

Genes: PLBD1-AS1 (PLBD1 antisense RNA 1; plus strand), GUCY2C (guanylate cyclase 2C; minus strand). Cytogenetic location: 12p12.3.
Variant type: single nucleotide variant.
Coding change: c.2876-17T>A on transcript NM_004963.4 (MANE Select); 17 bases into the intron before coding-DNA position 2876, T replaced by A.
Molecular consequence: intron variant.
Genome position (GRCh38, 1-based): chr12:14,616,744, A>T on the plus strand (T>A on the coding strand, the complement: GUCY2C is on the minus strand). VCF-style: chr12-14616744-A-T. GRCh37 (hg19) VCF-style: chr12-14769678-A-T.
Identifiers: ClinVar variation 3700714 (VCV003700714.2).

ClinVar aggregate classification (germline): Uncertain significance (1 of 4 stars; one submission).

gnomAD v4.1: 2 of 1,478,192 alleles (0.00014%); highest among the groups gnomAD compares: Admixed American, 0.0017%; no homozygotes.

Submission:

Labcorp Genetics (formerly Invitae), Labcorp
Classification: Uncertain significance. Last evaluated: 2024-10-28. Review status: criteria provided, single submitter. Criteria: Invitae Variant Classification Sherloc (09022015). Collection method: clinical testing. Allele origin: germline.
Comment: This sequence change falls in intron 24 of the GUCY2C gene. It does not directly change the encoded amino acid sequence of the GUCY2C protein. This variant is not present in population databases (gnomAD no frequency). This variant has not been reported in the literature in individuals affected with GUCY2C-related conditions. Algorithms developed to predict the effect of sequence changes on RNA splicing suggest that this variant may disrupt the consensus splice site. In summary, the available evidence is currently insufficient to determine the role of this variant in disease. Therefore, it has been classified as a Variant of Uncertain Significance.